The following is an entry in ClinVar:

NM_002303.6(LEPR):c.66T>C (p.Phe22=)

Gene: LEPR (leptin receptor; plus strand). Cytogenetic location: 1p31.3.
Variant type: single nucleotide variant.
Coding change: c.66T>C on transcript NM_002303.6 (MANE Select); coding-DNA position 66, T replaced by C.
Protein change: p.Phe22=; no amino-acid change (phenylalanine 22 retained).
Molecular consequence: synonymous variant.
Genome position (GRCh38, 1-based): chr1:65,570,498, T>C. VCF-style: chr1-65570498-T-C. GRCh37 (hg19) VCF-style: chr1-66036181-T-C.
Other names: c.66T>C, p.Phe22= (NM_001003679.3, NM_001003680.3, NM_001198687.2 and 2 more transcripts).
Identifiers: ClinVar variation 3350741 (VCV003350741.1).
Genomic context (GRCh38, chr1:65,570,498, plus strand): 5'-ACTTTTTTCTATGTGTCTTTTTAATATCCTAACAGAATTTATTTATGTGATAACTGCGTT[T>C]AACTTGTCATATCCAATTACTCCTTGGAGATTTAAGTTGTCTTGCATGCCACCAAATTCA-3'
Protein context (NP_002294.2, residues 12-32): HWEFIYVITA[Phe22=]NLSYPITPWR

ClinVar aggregate classification (germline): Likely benign (0 of 4 stars; one submission).

Conditions:
LEPR-related disorder. Also called: LEPR-related condition; LEPR-related disorders.

gnomAD v4.1: 13 of 1,613,710 alleles (0.00081%); highest among the groups gnomAD compares: South Asian, 0.0044%; no homozygotes.

Submission:

PreventionGenetics, part of Exact Sciences
Classification: Likely benign for LEPR-related condition. Last evaluated: 2020-09-11. Review status: no assertion criteria provided. Collection method: clinical testing. Allele origin: germline.
Comment: This variant is classified as likely benign based on ACMG/AMP sequence variant interpretation guidelines (Richards et al. 2015 PMID: 25741868, with internal and published modifications).